The following is an entry in ClinVar:

NM_000548.5(TSC2):c.2466G>A (p.Ala822=)

Gene: TSC2 (TSC complex subunit 2; plus strand). Cytogenetic location: 16p13.3.
Variant type: single nucleotide variant.
Coding change: c.2466G>A on transcript NM_000548.5 (MANE Select); coding-DNA position 2466, G replaced by A.
Protein change: p.Ala822=; no amino-acid change (alanine 822 retained).
Molecular consequence: synonymous variant.
Genome position (GRCh38, 1-based): chr16:2,074,310, G>A. VCF-style: chr16-2074310-G-A. GRCh37 (hg19) VCF-style: chr16-2124311-G-A.
Other names: c.2466G>A, p.Ala822= (NM_001077183.3, NM_001114382.3, NM_001363528.2 and 3 more transcripts); c.2355G>A, p.Ala785= (NM_001318827.2); c.2319G>A, p.Ala773= (NM_001318829.2); c.1866G>A, p.Ala622= (NM_001318831.2); c.2499G>A, p.Ala833= (NM_001318832.2).
Identifiers: ClinVar variation 467945 (VCV000467945.21), dbSNP rs141728350, ClinGen allele CA039117.

ClinVar aggregate classification (germline): Benign/Likely benign. Review status: criteria provided, multiple submitters, no conflicts (2 of 4 stars). 6 submissions from 6 submitters: Benign (2); Likely benign (4). Last evaluated 2026-01-17.

Conditions:
Hereditary cancer-predisposing syndrome. Also called: Hereditary neoplastic syndrome; Neoplastic Syndromes, Hereditary; Tumor predisposition; Hereditary Cancer Syndrome. Identifiers: Orphanet 140162, MedGen C0027672, MeSH D009386, MONDO:0015356.
Tuberous sclerosis 2 (TSC2). Identifiers: Orphanet 805, MedGen C1860707, MONDO:0013199, OMIM 613254.
Isolated focal cortical dysplasia type II (FCORD2). Also called: CORTICAL DYSPLASIA OF TAYLOR; Focal cortical dysplasia type II. Identifiers: Orphanet 268994, MedGen C1846385, MONDO:0011818, OMIM 607341, HP:0032051.
Lymphangiomyomatosis (LAM). Also called: Lymphangioleiomyomatosis; Lymphangioleiomyomatosis, somatic. Identifiers: Orphanet 538, MedGen C0751674, MONDO:0011705, OMIM 606690.
Tuberous sclerosis syndrome (TSC). Also called: Tuberous Sclerosis Complex; Tuberous sclerosis. Identifiers: Orphanet 805, MedGen C0041341, MONDO:0001734.

Allele frequency attached by ClinVar (database versions not stated): gnomAD 0.00001; gnomAD exomes 0.00001; ExAC 0.00002; 1000 Genomes Project 0.00040; 1000 Genomes Project 30x 0.00047.
gnomAD v4.1: 11 of 1,612,986 alleles (0.00068%); highest among the groups gnomAD compares: East Asian, 0.0022%; no homozygotes.

Submissions (6):

Labcorp Genetics (formerly Invitae), Labcorp
Classification: Likely benign for Tuberous sclerosis 2. Last evaluated: 2026-01-17. Review status: criteria provided, single submitter. Criteria: Invitae Variant Classification Sherloc (09022015). Collection method: clinical testing. Allele origin: germline.

Myriad Genetics, Inc.
Classification: Benign for Tuberous sclerosis 2. Last evaluated: 2025-05-20. Review status: criteria provided, single submitter. Criteria: Myriad Autosomal Dominant, Autosomal Recessive and X-Linked Classification Criteria (2023). Collection method: clinical testing. Allele origin: unknown.
Comment: This variant is considered benign. This variant is a silent/synonymous amino acid change and it is not expected to impact splicing.

Color Diagnostics, LLC DBA Color Health
Classification: Likely benign for Tuberous sclerosis syndrome. Last evaluated: 2022-09-26. Review status: criteria provided, single submitter. Criteria: ACMG Guidelines, 2015. Collection method: clinical testing. Allele origin: germline.

Fulgent Genetics
Classification: Likely benign for Lymphangiomyomatosis; Isolated focal cortical dysplasia type II; Tuberous sclerosis 2. Last evaluated: 2022-01-08. Review status: criteria provided, single submitter. Criteria: ACMG Guidelines, 2015. Collection method: clinical testing. Allele origin: unknown.

Genome-Nilou Lab
Classification: Benign for Tuberous sclerosis 2. Last evaluated: 2021-11-07. Review status: criteria provided, single submitter. Criteria: ACMG Guidelines, 2015. Collection method: clinical testing. Allele origin: germline. Affected: no.

Ambry Genetics
Classification: Likely benign for Hereditary cancer-predisposing syndrome. Last evaluated: 2018-07-27. Review status: criteria provided, single submitter. Criteria: Ambry Variant Classification Scheme 2023. Collection method: clinical testing. Allele origin: germline.